The following is an entry in ClinVar:

NM_000465.4(BARD1):c.833T>C (p.Val278Ala)

Gene: BARD1 (BRCA1 associated RING domain 1; minus strand). Cytogenetic location: 2q35.
Variant type: single nucleotide variant.
Coding change: c.833T>C on transcript NM_000465.4 (MANE Select); coding-DNA position 833, T replaced by C.
Protein change: p.Val278Ala; replaces valine 278 with alanine.
Molecular consequence: missense variant. On other transcripts: non-coding transcript variant (2), intron variant (3).
Genome position (GRCh38, 1-based): chr2:214,781,041, A>G on the plus strand (T>C on the coding strand, the complement: BARD1 is on the minus strand). VCF-style: chr2-214781041-A-G. GRCh37 (hg19) VCF-style: chr2-215645765-A-G.
Other names: c.776T>C, p.Val259Ala (NM_001282543.2); c.158+28371T>C (NM_001282548.2); c.215+16020T>C (NM_001282545.2); c.364+11256T>C (NM_001282549.2); short protein forms V278A, V259A.
Identifiers: ClinVar variation 5032792 (VCV005032792.1).

ClinVar aggregate classification (germline): Uncertain significance (1 of 4 stars; one submission).

Conditions:
Hereditary cancer-predisposing syndrome. Also called: Neoplastic Syndromes, Hereditary; Tumor predisposition; Hereditary neoplastic syndrome; Hereditary Cancer Syndrome. Identifiers: Orphanet 140162, MedGen C0027672, MeSH D009386, MONDO:0015356.

Submission:

Ambry Genetics
Classification: Uncertain significance for Hereditary cancer-predisposing syndrome. Last evaluated: 2026-07-07. Review status: criteria provided, single submitter. Criteria: Ambry Variant Classification Scheme 2023. Collection method: clinical testing. Allele origin: germline.
Comment: The p.V278A variant (also known as c.833T>C), located in coding exon 4 of the BARD1 gene, results from a T to C substitution at nucleotide position 833. The valine at codon 278 is replaced by alanine, an amino acid with similar properties. This amino acid position is conserved. In addition, this alteration is predicted to be tolerated by in silico analysis. Based on the available evidence, the clinical significance of this variant remains unclear.